The following is an entry in ClinVar:

ClinVar aggregate classification (germline): Pathogenic/Likely pathogenic. Review status: criteria provided, multiple submitters, no conflicts (2 of 4 stars). 6 submissions from 6 submitters: Pathogenic (5); Likely pathogenic (1). Last evaluated 2026-01-26.

Conditions:
Amyotrophic lateral sclerosis type 2, juvenile. Also called: Amyotrophic lateral sclerosis type 2; ALS, JUVENILE. Identifiers: Orphanet 300605, MedGen C1859807, MONDO:0008780, OMIM 205100.
Infantile-onset ascending hereditary spastic paralysis (IAHSP). Also called: Infantile-Onset Ascending Hereditary Spastic Paralysis (IAHSP); Autosomal Recessive Juvenile Amyotrophic Lateral Sclerosis. Identifiers: Orphanet 293168, MedGen C2931441, MONDO:0011797, OMIM 607225. Disease mechanism: loss of function.

Allele frequency attached by ClinVar (database versions not stated): gnomAD below 0.00001 and 0.00001; gnomAD exomes below 0.00001; ExAC 0.00001.
gnomAD v4.1: 11 of 1,612,534 alleles (0.00068%); highest among the groups gnomAD compares: South Asian, 0.011%; no homozygotes.

Submissions (6):

Medical and Scientific Branch, Hong Kong Genome Institute
Classification: Likely pathogenic for Infantile-onset ascending hereditary spastic paralysis. Last evaluated: 2026-01-26. Review status: criteria provided, single submitter. Criteria: ACMG Guidelines, 2015. Collection method: clinical testing. Allele origin: paternal. Affected: yes.

Genomic Medicine Center of Excellence, King Faisal Specialist Hospital and Research Centre
Classification: Pathogenic for Amyotrophic lateral sclerosis 2, juvenile. Last evaluated: 2024-03-14. Review status: criteria provided, single submitter. Criteria: ACMG Guidelines, 2015. Collection method: clinical testing. Allele origin: germline.

Labcorp Genetics (formerly Invitae), Labcorp
Classification: Pathogenic for Infantile-onset ascending hereditary spastic paralysis. Last evaluated: 2023-06-16. Review status: criteria provided, single submitter. Criteria: Invitae Variant Classification Sherloc (09022015). Collection method: clinical testing. Allele origin: germline.
Comment: This variant is present in population databases (rs757972700, gnomAD 0.003%). This sequence change creates a premature translational stop signal (p.Lys1174*) in the ALS2 gene. It is expected to result in an absent or disrupted protein product. Loss-of-function variants in ALS2 are known to be pathogenic (PMID: 11586298, 24315819). This premature translational stop signal has been observed in individual(s) with clinical features of ALS2-related disease (PMID: 28600779). For these reasons, this variant has been classified as Pathogenic. ClinVar contains an entry for this variant (Variation ID: 645923).

GeneDx
Classification: Pathogenic. Last evaluated: 2022-02-08. Review status: criteria provided, single submitter. Criteria: GeneDx Variant Classification Process June 2021. Collection method: clinical testing. Allele origin: germline. Affected: yes.
Comment: Not observed at a significant frequency in large population cohorts (gnomAD); Nonsense variant predicted to result in protein truncation or nonsense mediated decay in a gene for which loss-of-function is a known mechanism of disease; This variant is associated with the following publications: (PMID: 28600779)

Sadaf Naz Human Genetics Laboratory, University of the Punjab
Classification: Pathogenic for Infantile-onset ascending hereditary spastic paralysis. Last evaluated: 2019-04-30. Review status: criteria provided, single submitter. Criteria: ACMG Guidelines, 2015. Collection method: research. Allele origin: germline. Inheritance: Autosomal recessive inheritance. Affected: yes. Observed: 1 homozygote.
Comment: The variant had very low allele frequency in gnomAD and was absent in 600 chromosomes of ethnically matched control population. The variant was reported previously in two male individuals with motor delay, hypertonia, dystonia, seizures and tremors. In summary, we classify the variant as pathogenic according to our segregation analysis and its absence in ethnically matched control population.

Genomic Medicine Lab, University of California San Francisco
Classification: Pathogenic for Amyotrophic lateral sclerosis type 2, juvenile. Last evaluated: 2019-03-28. Review status: criteria provided, single submitter. Criteria: ACMG Guidelines, 2015. Collection method: clinical testing. Allele origin: germline. Inheritance: Autosomal recessive inheritance. Affected: yes. Study: CSER-P3EGS.

Literature cited by the submitters: PubMed 11586298 (cited by Labcorp Genetics (formerly Invitae), Labcorp); PubMed 24315819 (cited by Labcorp Genetics (formerly Invitae), Labcorp); PubMed 28600779 (cited by Labcorp Genetics (formerly Invitae), Labcorp and Sadaf Naz Human Genetics Laboratory, University of the Punjab).

NM_020919.4(ALS2):c.3520A>T (p.Lys1174Ter)

Gene: ALS2 (alsin Rho guanine nucleotide exchange factor ALS2; minus strand). Cytogenetic location: 2q33.1.
Variant type: single nucleotide variant.
Coding change: c.3520A>T on transcript NM_020919.4 (MANE Select); coding-DNA position 3520, A replaced by T.
Protein change: p.Lys1174Ter; replaces lysine 1174 with a stop codon.
Molecular consequence: nonsense.
Genome position (GRCh38, 1-based): chr2:201,723,434, T>A on the plus strand (A>T on the coding strand, the complement: ALS2 is on the minus strand). VCF-style: chr2-201723434-T-A. GRCh37 (hg19) VCF-style: chr2-202588157-T-A.
Other names: short protein forms K1174*.
Identifiers: ClinVar variation 645923 (VCV000645923.13), dbSNP rs757972700, ClinGen allele CA2057847.